The following is an entry in ClinVar:

NM_004448.4(ERBB2):c.2950dup (p.Gln984fs)

Gene: ERBB2 (erb-b2 receptor tyrosine kinase 2; plus strand). Cytogenetic location: 17q12.
Variant type: Duplication.
Coding change: c.2950dup on transcript NM_004448.4 (MANE Select); coding-DNA position 2950, one base duplicated (C; older notation c.2950dupC).
Protein change: p.Gln984fs; shifts the reading frame from glutamine 984.
Molecular consequence: frameshift variant. On other transcripts: non-coding transcript variant (1), intron variant (1).
Genome position (GRCh38, 1-based): chr17:39,726,639, C duplicated; the last of 5 consecutive C bases (chr17:39,726,635-39,726,639); duplicating any one gives the same sequence. VCF-style (leftmost placement, unchanged base first): chr17-39726634-A-AC. GRCh37 (hg19) VCF-style: chr17-37882887-A-AC.
Other names: c.2860dup, p.Gln954fs (NM_001005862.3, NM_001382782.1, NM_001382783.1); c.2905dup, p.Gln969fs (NM_001289936.2); c.2950dup, p.Gln984fs (NM_001289937.2, NM_001382796.1); c.3067dup, p.Gln1023fs (NM_001382784.1); c.3052dup, p.Gln1018fs (NM_001382785.1); c.3031dup, p.Gln1011fs (NM_001382786.1); c.3025dup, p.Gln1009fs (NM_001382787.1); c.2980dup, p.Gln994fs (NM_001382788.1); and 15 more; short protein forms Q1009fs, Q932fs, Q970fs, Q981fs, Q1011fs, Q969fs, Q983fs, Q991fs.
Identifiers: ClinVar variation 2782267 (VCV002782267.3), dbSNP rs2544528870, ClinGen allele CA2739265567.

ClinVar aggregate classification (germline): Uncertain significance (1 of 4 stars; one submission).

Submission:

Labcorp Genetics (formerly Invitae), Labcorp
Classification: Uncertain significance. Last evaluated: 2023-03-09. Review status: criteria provided, single submitter. Criteria: Invitae Variant Classification Sherloc (09022015). Collection method: clinical testing. Allele origin: germline.
Comment: This variant has not been reported in the literature in individuals affected with ERBB2-related conditions. In summary, the available evidence is currently insufficient to determine the role of this variant in disease. Therefore, it has been classified as a Variant of Uncertain Significance. This variant is not present in population databases (gnomAD no frequency). This sequence change creates a premature translational stop signal (p.Gln984Profs*9) in the ERBB2 gene. It is expected to result in an absent or disrupted protein product. However, the current clinical and genetic evidence is not sufficient to establish whether loss-of-function variants in ERBB2 cause disease.